The following is an entry in ClinVar:

NM_001349956.3(CHEK2):c.444+119del

Gene: CHEK2 (checkpoint kinase 2; minus strand). Cytogenetic location: 22q12.1.
Variant type: Deletion.
Coding change: c.444+119del on transcript NM_001349956.3; 119 bases into the intron after coding-DNA position 444, one base deleted (G; older notation c.444+119delG).
Molecular consequence: intron variant.
Genome position (GRCh38, 1-based): chr22:28,725,124, C deleted on the plus strand (G on the coding strand, the reverse complement: CHEK2 is on the minus strand); the first of 2 consecutive C bases (chr22:28,725,124-28,725,125); deleting either gives the same sequence. VCF-style (leftmost placement, unchanged base first): chr22-28725123-TC-T. GRCh37 (hg19) VCF-style: chr22-29121111-TC-T.
Identifiers: ClinVar variation 2583484 (VCV002583484.1), dbSNP rs2518055231, ClinGen allele CA2582342793.

ClinVar aggregate classification (germline): Pathogenic (1 of 4 stars; one submission).

Conditions:
Familial cancer of breast. Also called: BREAST CANCER, FAMILIAL; Hereditary breast cancer; hereditary breast carcinoma. Identifiers: Orphanet 227535, MedGen C0346153, MONDO:0016419, OMIM 114480. Disease mechanism: loss of function.

Submission:

Myriad Genetics, Inc.
Classification: Pathogenic for Familial cancer of breast. Last evaluated: 2023-06-23. Review status: criteria provided, single submitter. Criteria: Myriad Autosomal Dominant, Autosomal Recessive and X-Linked Classification Criteria (2023). Collection method: clinical testing. Allele origin: unknown.
Comment: This variant is considered pathogenic. This variant creates a frameshift predicted to result in premature protein truncation.